The following is an entry in ClinVar:

ClinVar aggregate classification (germline): Uncertain significance (1 of 4 stars; one submission).

Submission:

Labcorp Genetics (formerly Invitae), Labcorp
Classification: Uncertain significance. Last evaluated: 2025-01-13. Review status: criteria provided, single submitter. Criteria: Invitae Variant Classification Sherloc (09022015). Collection method: clinical testing. Allele origin: germline.
Comment: This sequence change replaces leucine, which is neutral and non-polar, with arginine, which is basic and polar, at codon 316 of the AVPR2 protein (p.Leu316Arg). This variant is not present in population databases (gnomAD no frequency). This missense change has been observed in individual(s) with diabetes insipidus (PMID: 23150186). Invitae Evidence Modeling of protein sequence and biophysical properties (such as structural, functional, and spatial information, amino acid conservation, physicochemical variation, residue mobility, and thermodynamic stability) indicates that this missense variant is expected to disrupt AVPR2 protein function with a positive predictive value of 80%. In summary, the available evidence is currently insufficient to determine the role of this variant in disease. Therefore, it has been classified as a Variant of Uncertain Significance.

Literature cited by the submitters: PubMed 23150186.

NM_000054.7(AVPR2):c.947T>G (p.Leu316Arg)

Gene: AVPR2 (arginine vasopressin receptor 2; plus strand). Cytogenetic location: Xq28.
Variant type: single nucleotide variant.
Coding change: c.947T>G on transcript NM_000054.7 (MANE Select); coding-DNA position 947, T replaced by G.
Protein change: p.Leu316Arg; replaces leucine 316 with arginine.
Molecular consequence: missense variant. On other transcripts: 3 prime UTR variant (1), non-coding transcript variant (1).
Genome position (GRCh38, 1-based): chrX:153,906,559, T>G. VCF-style: chrX-153906559-T-G. GRCh37 (hg19) VCF-style: chrX-153172013-T-G.
Other names: c.*123T>G (NM_001146151.3); short protein forms L316R.
Identifiers: ClinVar variation 3724658 (VCV003724658.2).